The following is an entry in ClinVar:

NM_007078.3(LDB3):c.689+3901A>G

Genes: LDB3 (LIM domain binding 3; plus strand), LOC110121486 (VISTA enhancer hs2143; plus strand). Cytogenetic location: 10q23.2.
Variant type: single nucleotide variant.
Coding change: c.689+3901A>G on transcript NM_007078.3 (MANE Select); 3901 bases into the intron after coding-DNA position 689, A replaced by G.
Molecular consequence: intron variant.
Genome position (GRCh38, 1-based): chr10:86,685,704, A>G. VCF-style: chr10-86685704-A-G. GRCh37 (hg19) VCF-style: chr10-88445461-A-G.
Other names: c.689+3901A>G (NM_001368064.1, NM_001368063.1, NM_001368065.1 and 1 more transcripts); c.344+4A>G (NM_001368068.1, NM_001368066.1, NM_001080114.2 and 2 more transcripts); c.690-1365A>G (NM_001171610.2, NM_001171611.2).
Identifiers: ClinVar variation 3705787 (VCV003705787.2).

ClinVar aggregate classification (germline): Uncertain significance (1 of 4 stars; one submission).

Conditions:
Myofibrillar myopathy 4. Also called: Zaspopathy (type). Identifiers: Orphanet 98912, MedGen C4721886, MONDO:0012277, OMIM 609452.

gnomAD v4.1: 2 of 1,614,152 alleles (0.00012%); highest among the groups gnomAD compares: Non-Finnish European, 0.00017%; no homozygotes.

Submission:

Labcorp Genetics (formerly Invitae), Labcorp
Classification: Uncertain significance for Myofibrillar myopathy 4. Last evaluated: 2024-12-25. Review status: criteria provided, single submitter. Criteria: Invitae Variant Classification Sherloc (09022015). Collection method: clinical testing. Allele origin: germline.
Comment: This sequence change falls in intron 4 of the LDB3 gene. It does not directly change the encoded amino acid sequence of the LDB3 protein. It affects a nucleotide within the consensus splice site. This variant is present in population databases (rs769004016, gnomAD 0.0009%). This variant has not been reported in the literature in individuals affected with LDB3-related conditions. Variants that disrupt the consensus splice site are a relatively common cause of aberrant splicing (PMID: 17576681, 9536098). Algorithms developed to predict the effect of sequence changes on RNA splicing suggest that this variant may disrupt the consensus splice site. In summary, the available evidence is currently insufficient to determine the role of this variant in disease. Therefore, it has been classified as a Variant of Uncertain Significance.

Literature cited by the submitters: PubMed 17576681; PubMed 9536098.